The following is an entry in ClinVar:

NM_005609.4(PYGM):c.1769-3C>T

Gene: PYGM (glycogen phosphorylase, muscle associated; minus strand). Cytogenetic location: 11q13.1.
Variant type: single nucleotide variant.
Coding change: c.1769-3C>T on transcript NM_005609.4 (MANE Select); 3 bases into the intron before coding-DNA position 1769, C replaced by T.
Molecular consequence: intron variant.
Genome position (GRCh38, 1-based): chr11:64,751,658, G>A on the plus strand (C>T on the coding strand, the complement: PYGM is on the minus strand). VCF-style: chr11-64751658-G-A. GRCh37 (hg19) VCF-style: chr11-64519130-G-A.
Other names: c.1505-3C>T (NM_001164716.1).
Identifiers: ClinVar variation 385159 (VCV000385159.1), dbSNP rs748622689, ClinGen allele CA6079737.

ClinVar aggregate classification (germline): Likely benign (1 of 4 stars; one submission).

Allele frequency attached by ClinVar (database versions not stated): gnomAD exomes below 0.00001 and 0.00002; ExAC 0.00001; gnomAD 0.00001; TOPMed 0.00002.
gnomAD v4.1: 30 of 1,613,860 alleles (0.0019%); highest among the groups gnomAD compares: Non-Finnish European, 0.0025%; no homozygotes.

Submission:

GeneDx
Classification: Likely benign. Last evaluated: 2016-04-18. Review status: criteria provided, single submitter. Criteria: GeneDx Variant Classification (06012015). Collection method: clinical testing. Allele origin: germline. Affected: yes.
Comment: This variant is considered likely benign or benign based on one or more of the following criteria: it is a conservative change, it occurs at a poorly conserved position in the protein, it is predicted to be benign by multiple in silico algorithms, and/or has population frequency not consistent with disease.